The following is an entry in ClinVar:

ClinVar aggregate classification (germline): Likely benign. Review status: criteria provided, multiple submitters, no conflicts (2 of 4 stars). 2 submissions from 2 submitters: Likely benign (2). Last evaluated 2025-12-30.

Conditions:
EPILEPSY, CHILDHOOD ABSENCE, SUSCEPTIBILITY TO, 2 (ECA2). Identifiers: Orphanet 64280, MedGen C1843244, OMIM 607681.
Febrile seizures, familial, 8 (FEB8). Also called: CONVULSIONS, FAMILIAL FEBRILE, 8. Identifiers: Orphanet 36387, MedGen C1969810, MONDO:0011891, OMIM 607681.

Allele frequency attached by ClinVar (database versions not stated): gnomAD below 0.00001 and 0.00002; gnomAD exomes 0.00003 and 0.00006; ExAC 0.00006.
gnomAD v4.1: 54 of 1,613,738 alleles (0.0033%); highest among the groups gnomAD compares: South Asian, 0.054%; 1 homozygote.

Submissions (2):

Labcorp Genetics (formerly Invitae), Labcorp
Classification: Likely benign for Febrile seizures, familial, 8; EPILEPSY, CHILDHOOD ABSENCE, SUSCEPTIBILITY TO, 2. Last evaluated: 2025-12-30. Review status: criteria provided, single submitter. Criteria: Invitae Variant Classification Sherloc (09022015). Collection method: clinical testing. Allele origin: germline.

GeneDx
Classification: Likely benign. Last evaluated: 2018-05-16. Review status: criteria provided, single submitter. Criteria: GeneDx Variant Classification (06012015). Collection method: clinical testing. Allele origin: germline. Affected: yes.
Comment: This variant is considered likely benign or benign based on one or more of the following criteria: it is a conservative change, it occurs at a poorly conserved position in the protein, it is predicted to be benign by multiple in silico algorithms, and/or has population frequency not consistent with disease.

NM_198904.4(GABRG2):c.632-8C>T

Gene: GABRG2 (gamma-aminobutyric acid type A receptor subunit gamma2; plus strand). Cytogenetic location: 5q34.
Variant type: single nucleotide variant.
Coding change: c.632-8C>T on transcript NM_198904.4 (MANE Select); 8 bases into the intron before coding-DNA position 632, C replaced by T.
Molecular consequence: intron variant.
Genome position (GRCh38, 1-based): chr5:162,103,881, C>T. VCF-style: chr5-162103881-C-T. GRCh37 (hg19) VCF-style: chr5-161530887-C-T.
Other names: c.632-8C>T (NM_000816.3, NM_001375344.1, NM_001375340.1 and 2 more transcripts); c.347-8C>T (NM_001375349.1); c.752-8C>T (NM_001375343.1, NM_198903.2); c.212-8C>T (NM_001375350.1, NM_001375348.1); c.623-8C>T (NM_001375339.1); c.566-8C>T (NM_001375346.1, NM_001375345.1); c.545-8C>T (NM_001375347.1).
Identifiers: ClinVar variation 668350 (VCV000668350.12), dbSNP rs779617978, ClinGen allele CA3544793.